The following is an entry in ClinVar:

NM_020699.4(GATAD2B):c.1648+6_1648+8del

Gene: GATAD2B (GATA zinc finger domain containing 2B; minus strand). Cytogenetic location: 1q21.3.
Variant type: Microsatellite.
Coding change: c.1648+6_1648+8del on transcript NM_020699.4 (MANE Select); bases 6 to 8 of the intron after coding-DNA position 1648, 3 bases deleted (AAG; older notation c.1648+6_1648+8delAAG).
Molecular consequence: intron variant.
Genome position (GRCh38, 1-based): chr1:153,811,723-153,811,725, CTT deleted on the plus strand (AAG on the coding strand, the reverse complement: GATAD2B is on the minus strand); deleting any 3 consecutive bases within chr1:153,811,723-153,811,728 gives the same sequence; the c. name uses the placement nearest the transcript's 3' end. VCF-style (leftmost placement, unchanged base first): chr1-153811722-CCTT-C. GRCh37 (hg19) VCF-style: chr1-153784198-CCTT-C.
Identifiers: ClinVar variation 2695158 (VCV002695158.3), dbSNP rs2525232534, ClinGen allele CA2697554564.

ClinVar aggregate classification (germline): Uncertain significance (1 of 4 stars; one submission).

Submission:

Labcorp Genetics (formerly Invitae), Labcorp
Classification: Uncertain significance. Last evaluated: 2023-11-11. Review status: criteria provided, single submitter. Criteria: Invitae Variant Classification Sherloc (09022015). Collection method: clinical testing. Allele origin: germline.
Comment: This sequence change falls in intron 10 of the GATAD2B gene. It does not directly change the encoded amino acid sequence of the GATAD2B protein. It affects a nucleotide within the consensus splice site. This variant is not present in population databases (gnomAD no frequency). This variant has not been reported in the literature in individuals affected with GATAD2B-related conditions. Variants that disrupt the consensus splice site are a relatively common cause of aberrant splicing (PMID: 17576681, 9536098). Algorithms developed to predict the effect of sequence changes on RNA splicing suggest that this variant is not likely to affect RNA splicing. In summary, the available evidence is currently insufficient to determine the role of this variant in disease. Therefore, it has been classified as a Variant of Uncertain Significance.

Literature cited by the submitters: PubMed 17576681; PubMed 9536098.